The following is an entry in ClinVar:

NM_002691.4(POLD1):c.2233dup (p.Tyr745fs)

Gene: POLD1 (DNA polymerase delta 1, catalytic subunit; plus strand). Cytogenetic location: 19q13.33.
Variant type: Duplication.
Coding change: c.2233dup on transcript NM_002691.4 (MANE Select); coding-DNA position 2233, one base duplicated (T; older notation c.2233dupT).
Protein change: p.Tyr745fs; shifts the reading frame from tyrosine 745.
Molecular consequence: frameshift variant. On other transcripts: non-coding transcript variant (1).
Genome position (GRCh38, 1-based): chr19:50,413,504, T duplicated. VCF-style (leftmost placement, unchanged base first): chr19-50413503-C-CT. GRCh37 (hg19) VCF-style: chr19-50916760-C-CT.
Other names: c.2233dup, p.Tyr745fs (NM_001256849.1); c.2311dup, p.Tyr771fs (NM_001308632.1); short protein forms Y771fs, Y745fs.
Identifiers: ClinVar variation 2001349 (VCV002001349.4), dbSNP rs2514036100, ClinGen allele CA2580097723.

ClinVar aggregate classification (germline): Uncertain significance (1 of 4 stars; one submission).

Conditions:
POLD1-related polyposis and colorectal cancer syndrome (CRCS10). Also called: Colorectal cancer 10; COLORECTAL CANCER, SUSCEPTIBILITY TO, ON CHROMOSOME 19q; Colorectal cancer, susceptibility to, 10. Identifiers: Orphanet 220460, MedGen C2675481, MONDO:0012953, OMIM 612591.

Submission:

Labcorp Genetics (formerly Invitae), Labcorp
Classification: Uncertain significance for POLD1-related polyposis and colorectal cancer syndrome. Last evaluated: 2022-05-31. Review status: criteria provided, single submitter. Criteria: Invitae Variant Classification Sherloc (09022015). Collection method: clinical testing. Allele origin: germline.
Comment: In summary, the available evidence is currently insufficient to determine the role of this variant in disease. Therefore, it has been classified as a Variant of Uncertain Significance. Experimental studies and prediction algorithms are not available or were not evaluated, and the functional significance of this variant is currently unknown. This variant has not been reported in the literature in individuals affected with POLD1-related conditions. This variant is not present in population databases (gnomAD no frequency). This sequence change creates a premature translational stop signal (p.Tyr745Leufs*11) in the POLD1 gene. Missense variants that disrupt the 3'-5' exonuclease (proof-reading) activity of the POLD1 protein are associated with an increased risk for colonic adenomatous polyps and colon cancer (PMID: 23263490, 23447401). However, loss-of-function variants that result in an absent or severely disrupted POLD1 protein, and missense variants outside the exonuclease domain, are unlikely to be associated with polyposis or colon cancer.

Literature cited by the submitters: PubMed 23263490; PubMed 23447401.